The following is an entry in ClinVar:

NM_001267550.2(TTN):c.21656C>T (p.Ser7219Phe)

Gene: TTN (titin; minus strand). Cytogenetic location: 2q31.2.
Variant type: single nucleotide variant.
Coding change: c.21656C>T on transcript NM_001267550.2 (MANE Select); coding-DNA position 21656, C replaced by T.
Protein change: p.Ser7219Phe; replaces serine 7219 with phenylalanine.
Molecular consequence: missense variant. On other transcripts: intron variant (3).
Genome position (GRCh38, 1-based): chr2:178,723,444, G>A on the plus strand (C>T on the coding strand, the complement: TTN is on the minus strand). VCF-style: chr2-178723444-G-A. GRCh37 (hg19) VCF-style: chr2-179588171-G-A.
Other names: p.S6902F:TCT>TTT; c.20705C>T, p.Ser6902Phe (NM_001256850.1); c.17924C>T, p.Ser5975Phe (NM_133378.4); c.13282+14638C>T (NM_003319.4); c.13858+14638C>T (NM_133437.4); c.13657+14638C>T (NM_133432.3); short protein forms S6902F, S7219F, S5975F.
Identifiers: ClinVar variation 203300 (VCV000203300.70), dbSNP rs201029552, ClinGen allele CA311968.

ClinVar aggregate classification (germline): Conflicting classifications of pathogenicity. Review status: criteria provided, conflicting classifications (1 of 4 stars). 17 submissions from 13 submitters: Uncertain significance (8); Benign (2); Likely benign (7). Last evaluated 2026-03-27.

Conditions:
TTN-related disorder. Also called: TTN-related condition; TTN-related disease; TTN-related disorders.
Autosomal recessive limb-girdle muscular dystrophy type 2J (LGMDR10). Also called: Limb-girdle muscular dystrophy, type 2J; MUSCULAR DYSTROPHY, LIMB-GIRDLE, AUTOSOMAL RECESSIVE 10. Identifiers: Orphanet 140922, MedGen C1837342, MONDO:0012127, OMIM 608807.
Dilated cardiomyopathy 1G (CMD1G). Identifiers: Orphanet 154, MedGen C1858763, MONDO:0011400, OMIM 604145.
Inborn genetic diseases. Identifiers: MedGen C0950123, MeSH D030342.
Cardiomyopathy (CMYO). Also called: Cardiomyopathies. Identifiers: Orphanet 167848, MedGen C0878544, MONDO:0004994, HP:0001638. Inheritance: Various modes of inheritance.
Early-onset myopathy with fatal cardiomyopathy (CMYO5). Also called: Salih Myopathy; CONGENITAL MYOPATHY 5 WITH CARDIOMYOPATHY. Identifiers: Orphanet 289377, MedGen C2673677, MONDO:0012714, OMIM 611705. Disease mechanism: loss of function.
Tibial muscular dystrophy (TMD). Also called: Tibial muscular dystrophy, tardive; UDD MYOPATHY; Udd Distal Myopathy – Tibial Muscular Dystrophy. Identifiers: Orphanet 609, MedGen C1838244, MONDO:0010870, OMIM 600334.
Myopathy, myofibrillar, 9, with early respiratory failure (MFM9). Also called: EDSTROM MYOPATHY; MYOPATHY, PROXIMAL, WITH EARLY RESPIRATORY MUSCLE INVOLVEMENT; Myopathy, distal, with early respiratory failure, autosomal dominant; Hereditary myopathy with early respiratory failure. Identifiers: Orphanet 178464, Orphanet 34521, MedGen C1863599, MONDO:0011362, OMIM 603689.

Allele frequency attached by ClinVar (database versions not stated): TOPMed 0.00017; gnomAD 0.00020 and 0.00021; gnomAD exomes 0.00023 and 0.00027; ExAC 0.00024; 1000 Genomes Project 30x 0.00031; 1000 Genomes Project 0.00040.
gnomAD v4.1: 379 of 1,613,046 alleles (0.023%); highest among the groups gnomAD compares: Admixed American, 0.042%; 1 homozygote.

Submissions (17):

Molecular Diagnostic Laboratory for Inherited Cardiovascular Disease, Montreal Heart Institute
Classification: Likely benign. Last evaluated: 2026-03-27. Review status: criteria provided, single submitter. Criteria: ACMG Guidelines, 2015. Collection method: clinical testing. Allele origin: germline. Affected: no.

PreventionGenetics, part of Exact Sciences
Classification: Likely benign for TTN-related condition. Last evaluated: 2026-02-03. Review status: criteria provided, single submitter. Criteria: ACMG Guidelines, 2015. Collection method: clinical testing. Allele origin: germline.
Comment: This variant is classified as likely benign based on ACMG/AMP sequence variant interpretation guidelines (Richards et al. 2015 PMID: 25741868, with internal and published modifications).

Revvity Omics, Revvity
Classification: Uncertain significance. Last evaluated: 2025-03-06. Review status: criteria provided, single submitter. Criteria: ACMG Guidelines, 2015. Collection method: clinical testing. Allele origin: germline.

Women's Health and Genetics/Laboratory Corporation of America, LabCorp
Classification: Likely benign. Last evaluated: 2025-01-24. Review status: criteria provided, single submitter. Criteria: LabCorp Variant Classification Summary - May 2015. Collection method: clinical testing. Allele origin: germline.
Comment: Variant summary: TTN c.17924C>T (p.Ser5975Phe) results in a non-conservative amino acid change in the encoded protein sequence. Two of three in-silico tools predict a benign effect of the variant on protein function. The variant allele was found at a frequency of 0.00027 in 247700 control chromosomes, predominantly at a frequency of 0.00041 within the Latino subpopulation in the gnomAD database. The observed variant frequency within Latino control individuals in the gnomAD database is approximately 1.049 fold of the estimated maximal expected allele frequency for a pathogenic variant in TTN causing Dilated Cardiomyopathy phenotype (0.00039). c.17924C>T has been reported in the literature in an unknown number of individuals (zygosity not provided) in a cohort affected with cardiac conditions, without strong evidence for causality (example Campuzano_2015). These report(s) do not provide unequivocal conclusions about association of the variant with TTN-related conditions. To our knowledge, no experimental evidence demonstrating an impact on protein function has been reported. ClinVar contains an entry for this variant (Variation ID: 203300). Based on the evidence outlined above, the variant was classified as likely benign.

Blueprint Genetics
Classification: Likely benign. Last evaluated: 2024-07-23. Review status: criteria provided, single submitter. Criteria: ACMG Guidelines, 2015. Collection method: clinical testing. Allele origin: germline.

CeGaT Center for Human Genetics Tuebingen
Classification: Likely benign. Last evaluated: 2023-03-01. Review status: criteria provided, single submitter. Criteria: CeGaT Center For Human Genetics Tuebingen Variant Classification Criteria Version 2. Collection method: clinical testing. Allele origin: germline. Affected: yes. Observed: 1 variant allele.
Comment: TTN: BP4

GeneDx
Classification: Likely benign. Last evaluated: 2020-09-18. Review status: criteria provided, single submitter. Criteria: GeneDx Variant Classification Process June 2021. Collection method: clinical testing. Allele origin: germline. Affected: yes.

Laboratory for Molecular Medicine, Mass General Brigham Personalized Medicine
Classification: Benign. Last evaluated: 2019-05-22. Review status: criteria provided, single submitter. Criteria: LMM Criteria. Collection method: clinical testing. Allele origin: germline. Observed: 1 variant allele.
Comment: The p.Ser5975Phe variant in TTN is classified as likely benign due to a lack of conservation across species. Four mammals (pig, horse, white rhinoceros and elephant) carry a phenylalanine (Phe) at this position despite high nearby amino acid conservation. It has also been identified in 0.04% (14/35192) of Latino chromosomes by gnomAD. ACMG/AMP Criteria applied: BS1, BP4_Strong.

Illumina Laboratory Services, Illumina
Classification: Uncertain significance for Autosomal recessive limb-girdle muscular dystrophy type 2J. Last evaluated: 2018-01-12. Review status: criteria provided, single submitter. Criteria: ICSL Variant Classification Criteria 13 December 2019. Collection method: clinical testing. Allele origin: germline.

Illumina Laboratory Services, Illumina
Classification: Likely benign for Myopathy, myofibrillar, 9, with early respiratory failure. Last evaluated: 2018-01-12. Review status: criteria provided, single submitter. Criteria: ICSL Variant Classification Criteria 13 December 2019. Collection method: clinical testing. Allele origin: germline.
Comment: This variant was observed in the ICSL laboratory as part of a predisposition screen in an ostensibly healthy population. It had not been previously curated by ICSL or reported in the Human Gene Mutation Database (HGMD: prior to June 1st, 2018), and was therefore a candidate for classification through an automated scoring system. Utilizing variant allele frequency, disease prevalence and penetrance estimates, and inheritance mode, an automated score was calculated to assess if this variant is too frequent to cause the disease. Based on the score and internal cut-off values, a variant classified as likely benign is not then subjected to further curation. The score for this variant resulted in a classification of likely benign for this disease.

Illumina Laboratory Services, Illumina
Classification: Uncertain significance for Early-onset myopathy with fatal cardiomyopathy. Last evaluated: 2018-01-12. Review status: criteria provided, single submitter. Criteria: ICSL Variant Classification Criteria 13 December 2019. Collection method: clinical testing. Allele origin: germline.

Illumina Laboratory Services, Illumina
Classification: Uncertain significance for Dilated cardiomyopathy 1G. Last evaluated: 2018-01-12. Review status: criteria provided, single submitter. Criteria: ICSL Variant Classification Criteria 13 December 2019. Collection method: clinical testing. Allele origin: germline.

Illumina Laboratory Services, Illumina
Classification: Benign for Tibial muscular dystrophy. Last evaluated: 2018-01-12. Review status: criteria provided, single submitter. Criteria: ICSL Variant Classification Criteria 13 December 2019. Collection method: clinical testing. Allele origin: germline.
Comment: This variant was observed in the ICSL laboratory as part of a predisposition screen in an ostensibly healthy population. It had not been previously curated by ICSL or reported in the Human Gene Mutation Database (HGMD: prior to June 1st, 2018), and was therefore a candidate for classification through an automated scoring system. Utilizing variant allele frequency, disease prevalence and penetrance estimates, and inheritance mode, an automated score was calculated to assess if this variant is too frequent to cause the disease. Based on the score and internal cut-off values, a variant classified as benign is not then subjected to further curation. The score for this variant resulted in a classification of benign for this disease.

Labcorp Genetics (formerly Invitae), Labcorp
Classification: Uncertain significance for Dilated cardiomyopathy 1G; Autosomal recessive limb-girdle muscular dystrophy type 2J. Last evaluated: 2018-01-04. Review status: criteria provided, single submitter. Criteria: Invitae Variant Classification Sherloc (09022015). Collection method: clinical testing. Allele origin: germline.

Eurofins Ntd Llc (ga)
Classification: Uncertain significance. Last evaluated: 2016-11-17. Review status: criteria provided, single submitter. Criteria: EGL Classification Definitions 2015. Collection method: clinical testing. Allele origin: germline. Observed: 4 variant alleles, 4 heterozygotes.

CHEO Genetics Diagnostic Laboratory, Children's Hospital of Eastern Ontario
Classification: Uncertain significance for Cardiomyopathy. Last evaluated: 2016-08-09. Review status: criteria provided, single submitter. Criteria: ACMG Guidelines, 2015. Collection method: clinical testing. Allele origin: germline. Study: Canadian Open Genetics Repository.

Ambry Genetics
Classification: Uncertain significance for Hereditary disease. Last evaluated: 2014-06-05. Review status: criteria provided, single submitter. Criteria: ambry_reporting_categories_2017. Collection method: clinical testing. Allele origin: germline. Affected: yes. Observed: 1 heterozygote. Segregation with disease observed.
Comment: Lines of evidence used in support of classification: UNCERTAIN: Alteration(s) of Uncertain Clinical Significance Detected

Literature cited by the submitters: PubMed 26516846 (cited by Women's Health and Genetics/Laboratory Corporation of America, LabCorp); PubMed 23518707 (cited by Ambry Genetics); PubMed 23418287 (cited by Ambry Genetics); PubMed 24105469 (cited by Ambry Genetics); PubMed 11717165 (cited by Ambry Genetics); PubMed 22335739 (cited by Ambry Genetics); PubMed 10462489 (cited by Ambry Genetics); PubMed 21810661 (cited by Ambry Genetics); PubMed 12669942 (cited by Ambry Genetics); PubMed 21617319 (cited by Ambry Genetics); PubMed 18948003 (cited by Ambry Genetics); PubMed 1745277 (cited by Ambry Genetics); PubMed 24395473 (cited by Ambry Genetics); PubMed 12145747 (cited by Ambry Genetics); PubMed 17444505 (cited by Ambry Genetics).